The following is an entry in ClinVar:

NM_014251.3(SLC25A13):c.775C>T (p.Gln259Ter)

Gene: SLC25A13 (solute carrier family 25 member 13; minus strand). Cytogenetic location: 7q21.3.
Variant type: single nucleotide variant.
Coding change: c.775C>T on transcript NM_014251.3 (MANE Select); coding-DNA position 775, C replaced by T.
Protein change: p.Gln259Ter; replaces glutamine 259 with a stop codon.
Molecular consequence: nonsense. On other transcripts: non-coding transcript variant (1).
Genome position (GRCh38, 1-based): chr7:96,189,654, G>A on the plus strand (C>T on the coding strand, the complement: SLC25A13 is on the minus strand). VCF-style: chr7-96189654-G-A. GRCh37 (hg19) VCF-style: chr7-95818966-G-A.
Other names: c.775C>T, p.Gln259Ter (NM_001160210.2); short protein forms Q259*.
Identifiers: ClinVar variation 252920 (VCV000252920.12), dbSNP rs746155190, ClinGen allele CA10586126.

ClinVar aggregate classification (germline): Pathogenic. Review status: criteria provided, multiple submitters, no conflicts (2 of 4 stars). 5 submissions from 5 submitters: Pathogenic (4). 1 of the submissions does not count toward it. Last evaluated 2024-04-03.

Conditions:
Citrullinemia, type II, adult-onset (CDAA). Also called: CITRIN DEFICIENCY, ADOLESCENT OR ADULT ONSET. Identifiers: Orphanet 247585, MedGen CN295299, MONDO:0011326, OMIM 603471.
Neonatal intrahepatic cholestasis due to citrin deficiency (CDNI). Also called: Neonatal-onset citrullinemia type II; Neonatal-onset citrullinemia type 2; Neonatal Intrahepatic Cholestasis Caused by Citrin Deficiency (NICCD); CITRIN DEFICIENCY, NEONATAL OR INFANTILE ONSET. Identifiers: Orphanet 247598, MedGen C1853942, MONDO:0011601, OMIM 605814.
Citrin deficiency. Identifiers: Orphanet 247582, MedGen C1997910, MONDO:0016602.

Submissions (5):

Fulgent Genetics
Classification: Pathogenic for Citrullinemia, type II, adult-onset; Neonatal intrahepatic cholestasis due to citrin deficiency. Last evaluated: 2024-04-03. Review status: criteria provided, single submitter. Criteria: ACMG Guidelines, 2015. Collection method: clinical testing. Allele origin: germline.

Baylor Genetics
Classification: Pathogenic for Citrullinemia, type II, adult-onset. Last evaluated: 2024-01-07. Review status: criteria provided, single submitter. Criteria: ACMG Guidelines, 2015. Collection method: clinical testing. Allele origin: unknown.

Labcorp Genetics (formerly Invitae), Labcorp
Classification: Pathogenic for Citrin deficiency. Last evaluated: 2023-10-19. Review status: criteria provided, single submitter. Criteria: Invitae Variant Classification Sherloc (09022015). Collection method: clinical testing. Allele origin: germline.
Comment: This sequence change creates a premature translational stop signal (p.Gln259*) in the SLC25A13 gene. It is expected to result in an absent or disrupted protein product. Loss-of-function variants in SLC25A13 are known to be pathogenic (PMID: 10369257, 14680984, 27405544). This variant is not present in population databases (gnomAD no frequency). This premature translational stop signal has been observed in individuals with citrin deficiency (PMID: 21507300, 27405544). ClinVar contains an entry for this variant (Variation ID: 252920). Algorithms developed to predict the effect of sequence changes on RNA splicing suggest that this variant may disrupt the consensus splice site. For these reasons, this variant has been classified as Pathogenic.

Juno Genomics, Hangzhou Juno Genomics, Inc
Classification: Pathogenic for Citrullinemia, type II, adult-onset; Neonatal intrahepatic cholestasis due to citrin deficiency. Review status: criteria provided, single submitter. Criteria: ACMG Guidelines, 2015. Collection method: clinical testing. Allele origin: germline. Affected: yes.
Comment: Absent from controls (or at extremely low frequency if recessive) in Genome Aggregation Database.;Null variant in a gene where loss of function (LOF) is a known mechanism of disease.;For recessive disorders, detected in trans with a pathogenic variant.;Patient's phenotype or family history is highly specific for a disease with a single genetic etiology.

Shenzhen Institute of Pediatrics, Shenzhen Children's Hospital
Classification: Pathogenic for Neonatal intrahepatic cholestasis due to citrin deficiency. Last evaluated: 2010-02-23. Review status: no assertion criteria provided. Collection method: clinical testing. Allele origin: paternal. Affected: yes. Not counted in ClinVar's aggregate classification.

Literature cited by the submitters: PubMed 10369257 (cited by Labcorp Genetics (formerly Invitae), Labcorp); PubMed 14680984 (cited by Labcorp Genetics (formerly Invitae), Labcorp); PubMed 27405544 (cited by Labcorp Genetics (formerly Invitae), Labcorp); PubMed 21507300 (cited by Labcorp Genetics (formerly Invitae), Labcorp and Shenzhen Institute of Pediatrics, Shenzhen Children's Hospital).